The following is an entry in ClinVar:

ClinVar aggregate classification (germline): Likely pathogenic. Review status: criteria provided, multiple submitters, no conflicts (2 of 4 stars). 2 submissions from 2 submitters: Likely pathogenic (2). Last evaluated 2023-05-25.

Conditions:
Developmental and epileptic encephalopathy, 49 (DEE49). Also called: Epileptic encephalopathy, early infantile, 49. Identifiers: MedGen C4310635, MONDO:0015002, OMIM 617281.

Allele frequency attached by ClinVar (database versions not stated): gnomAD exomes below 0.00001; TOPMed below 0.00001; gnomAD 0.00001.
gnomAD v4.1: 8 of 1,610,622 alleles (0.0005%); highest among the groups gnomAD compares: Admixed American, 0.0017%; no homozygotes.

Submissions (2):

Labcorp Genetics (formerly Invitae), Labcorp
Classification: Likely pathogenic. Last evaluated: 2023-05-25. Review status: criteria provided, single submitter. Criteria: Invitae Variant Classification Sherloc (09022015). Collection method: clinical testing. Allele origin: germline.
Comment: In summary, the currently available evidence indicates that the variant is pathogenic, but additional data are needed to prove that conclusively. Therefore, this variant has been classified as Likely Pathogenic. Algorithms developed to predict the effect of sequence changes on RNA splicing suggest that this variant may disrupt the consensus splice site. ClinVar contains an entry for this variant (Variation ID: 1333616). This variant has not been reported in the literature in individuals affected with DENND5A-related conditions. This variant is not present in population databases (gnomAD no frequency). This sequence change affects a donor splice site in intron 4 of the DENND5A gene. It is expected to disrupt RNA splicing. Variants that disrupt the donor or acceptor splice site typically lead to a loss of protein function (PMID: 16199547), and loss-of-function variants in DENND5A are known to be pathogenic (PMID: 27431290, 27866705).

3billion
Classification: Likely pathogenic for Developmental and epileptic encephalopathy, 49. Last evaluated: 2022-01-03. Review status: criteria provided, single submitter. Criteria: ACMG Guidelines, 2015. Collection method: clinical testing. Allele origin: germline. Affected: yes. Observed: 1 homozygote.
Comment: Canonical splice site: predicted to alter splicing and result in a loss or disruption of normal protein function through protein truncation. Multiple pathogenic variants are reported in the predicted truncated region (PVS1_VS).It is not observed in the gnomAD v2.1.1 dataset (PM2_M). Therefore, this variant is classified as likely pathogenic according to the recommendation of ACMG/AMP guideline.

Literature cited by the submitters: PubMed 16199547 (cited by Labcorp Genetics (formerly Invitae), Labcorp); PubMed 27431290 (cited by Labcorp Genetics (formerly Invitae), Labcorp); PubMed 27866705 (cited by Labcorp Genetics (formerly Invitae), Labcorp).

NM_015213.4(DENND5A):c.949+1G>A

Gene: DENND5A (DENN domain containing 5A; minus strand). Cytogenetic location: 11p15.4.
Variant type: single nucleotide variant.
Coding change: c.949+1G>A on transcript NM_015213.4 (MANE Select); the canonical splice donor site of the intron after coding-DNA position 949, G replaced by A.
Molecular consequence: splice donor variant.
Genome position (GRCh38, 1-based): chr11:9,203,659, C>T on the plus strand (G>A on the coding strand, the complement: DENND5A is on the minus strand). VCF-style: chr11-9203659-C-T. GRCh37 (hg19) VCF-style: chr11-9225206-C-T.
Other names: c.877+1G>A (NM_001348749.2); c.949+1G>A (NM_001243254.2); c.661+1G>A (NM_001348750.2).
Identifiers: ClinVar variation 1333616 (VCV001333616.4), dbSNP rs1849592470, ClinGen allele CA379596833.
Genomic context (GRCh38, chr11:9,203,659, plus strand): 5'-CTGAACATGGAAAGCAAAGAAGCCTGAGGCAGGCAGAAGGCTCTAGTAAGCACTGACTTA[C>T]GCTGTGAGTAGAGCAGGATTTGAAACTCCAGAAGGGCACAAGTAAAAAGCTGAAACACAT-3'